The following is an entry in ClinVar:

NM_004006.3(DMD):c.3163-1G>T

Gene: DMD (dystrophin; minus strand). Cytogenetic location: Xp21.1.
Variant type: single nucleotide variant.
Coding change: c.3163-1G>T on transcript NM_004006.3 (MANE Select); the canonical splice acceptor site of the intron before coding-DNA position 3163, G replaced by T.
Molecular consequence: splice acceptor variant.
Genome position (GRCh38, 1-based): chrX:32,464,700, C>A on the plus strand (G>T on the coding strand, the complement: DMD is on the minus strand). VCF-style: chrX-32464700-C-A. GRCh37 (hg19) VCF-style: chrX-32482817-C-A.
Other names: c.3139-1G>T (NM_000109.4); c.3151-1G>T (NM_004009.3); c.2794-1G>T (NM_004010.3).
Identifiers: ClinVar variation 1190497 (VCV001190497.9), dbSNP rs2148428395, ClinGen allele CA412665222.

ClinVar aggregate classification (germline): Likely pathogenic. Review status: criteria provided, multiple submitters, no conflicts (2 of 4 stars). 4 submissions from 4 submitters: Likely pathogenic (4). Last evaluated 2025-07-17.

Conditions:
Becker muscular dystrophy, Cardiomyopathy, Duchenne muscular dystrophy, Dystrophin deficiency.
Neuromuscular disease caused by qualitative or quantitative defects of dystrophin. Also called: Qualitative or quantitative defects of dystrophin. Identifiers: Orphanet 207085, MedGen C5679787, MONDO:0016147.

Submissions (4):

Women's Health and Genetics/Laboratory Corporation of America, LabCorp
Classification: Likely pathogenic for Neuromuscular disease caused by qualitative or quantitative defects of dystrophin. Last evaluated: 2025-07-17. Review status: criteria provided, single submitter. Criteria: LabCorp Variant Classification Summary - May 2015. Collection method: clinical testing. Allele origin: germline.
Comment: Variant summary: DMD c.3163-1G>T is located in a canonical splice-site and is predicted to affect mRNA splicing resulting in a significantly altered protein due to either exon skipping, shortening, or inclusion of intronic material. Variants that disrupt the consensus splice site are a relatively common cause of aberrant splicing and loss of DMD function. Several computational tools predict a significant impact on normal splicing: Four predict the variant abolishes a canonical 3' acceptor site. However, these predictions have yet to be confirmed by functional studies. The variant was absent in 183137 control chromosomes. To our knowledge, no occurrence of c.3163-1G>T in individuals affected with Dystrophinopathies and no experimental evidence demonstrating its impact on protein function have been reported. ClinVar contains an entry for this variant (Variation ID: 1190497). Based on the evidence outlined above, the variant was classified as likely pathogenic.

Natera, Inc.
Classification: Likely pathogenic for Becker muscular dystrophy, Cardiomyopathy, Duchenne muscular dystrophy, Dystrophin deficiency. Last evaluated: 2025-06-17. Review status: criteria provided, single submitter. Criteria: Natera Variant Classification Schema (03/2026). Collection method: clinical testing. Allele origin: germline.
Comment: The c.3163-1G>T variant in DMD is a canonical splice acceptor site variant predicted to affect pre-mRNA splicing, which may result in an abnormal transcript and altered protein product. This variant is expected to result in nonsense mediated decay, truncation, or a dysfunctional protein product. This variant is rare in the general population with a frequency below the threshold expected for the associated phenotype(s). Given the available evidence, this variant is classified as Likely Pathogenic.

Revvity Omics, Revvity
Classification: Likely pathogenic. Last evaluated: 2021-02-16. Review status: criteria provided, single submitter. Criteria: ACMG Guidelines, 2015. Collection method: clinical testing. Allele origin: germline.

GeneDx
Classification: Likely pathogenic. Last evaluated: 2020-09-15. Review status: criteria provided, single submitter. Criteria: GeneDx Variant Classification Process June 2021. Collection method: clinical testing. Allele origin: germline. Affected: yes.
Comment: Has not been previously published as pathogenic or benign to our knowledge; Not observed in large population cohorts (Lek et al., 2016); Canonical splice site variant expected to result in aberrant splicing, although in the absence of functional evidence the actual effect of this sequence change is unknown.; Deletions involving coding exons of this gene are a known mechanism of disease (Stenson et al., 2014)